The following is an entry in ClinVar:

ClinVar aggregate classification (germline): Uncertain significance (1 of 4 stars; one submission).

Conditions:
Familial adenomatous polyposis 1 (FAP1). Also called: FAMILIAL ADENOMATOUS POLYPOSIS 1, ATTENUATED; POLYPOSIS, ADENOMATOUS INTESTINAL. Identifiers: MedGen C2713442, MONDO:0021056, OMIM 175100. Disease mechanism: loss of function.

Submission:

Labcorp Genetics (formerly Invitae), Labcorp
Classification: Uncertain significance for Familial adenomatous polyposis 1. Last evaluated: 2023-07-22. Review status: criteria provided, single submitter. Criteria: Invitae Variant Classification Sherloc (09022015). Collection method: clinical testing. Allele origin: germline.
Comment: In summary, the available evidence is currently insufficient to determine the role of this variant in disease. Therefore, it has been classified as a Variant of Uncertain Significance. Experimental studies and prediction algorithms are not available or were not evaluated, and the functional significance of this variant is currently unknown. This variant has not been reported in the literature in individuals affected with APC-related conditions. This variant is not present in population databases (gnomAD no frequency). This variant occurs in a non-coding region of the APC gene. It does not change the encoded amino acid sequence of the APC protein.

NC_000005.10:g.112707476C>T

Gene: APC (APC regulator of Wnt signaling pathway; plus strand). Cytogenetic location: 5q22.2.
Variant type: single nucleotide variant.
Genome position: GRCh38 VCF-style: chr5-112707476-C-T. GRCh37 (hg19) VCF-style: chr5-112043173-C-T.
Identifiers: ClinVar variation 2994981 (VCV002994981.3), dbSNP rs2531733958, ClinGen allele CA2740094009.
Genomic context (GRCh38, chr5:112,707,476, plus strand): 5'-GGAGCGCAGCACCCATTGCGCCTGCGCATAACAGGCTCTAGTCTCCGGGCTGTGGGAAGC[C>T]AGCAACACCTCTCACGCATGCGCATTGTAGTCTTCCCACCTCCCACAAGATGGCGGAGGG-3'